The following is an entry in ClinVar:

ClinVar aggregate classification (germline): Uncertain significance (1 of 4 stars; one submission).

Submission:

Labcorp Genetics (formerly Invitae), Labcorp
Classification: Uncertain significance. Last evaluated: 2024-02-17. Review status: criteria provided, single submitter. Criteria: Invitae Variant Classification Sherloc (09022015). Collection method: clinical testing. Allele origin: germline.
Comment: This sequence change replaces threonine, which is neutral and polar, with lysine, which is basic and polar, at codon 514 of the MTPAP protein (p.Thr514Lys). This variant is not present in population databases (gnomAD no frequency). This variant has not been reported in the literature in individuals affected with MTPAP-related conditions. ClinVar contains an entry for this variant (Variation ID: 1976593). Advanced modeling of protein sequence and biophysical properties (such as structural, functional, and spatial information, amino acid conservation, physicochemical variation, residue mobility, and thermodynamic stability) performed at Invitae indicates that this missense variant is not expected to disrupt MTPAP protein function with a negative predictive value of 80%. In summary, the available evidence is currently insufficient to determine the role of this variant in disease. Therefore, it has been classified as a Variant of Uncertain Significance.

NM_018109.4(MTPAP):c.1541C>A (p.Thr514Lys)

Gene: MTPAP (mitochondrial poly(A) polymerase; minus strand). Cytogenetic location: 10p11.23.
Variant type: single nucleotide variant.
Coding change: c.1541C>A on transcript NM_018109.4 (MANE Select); coding-DNA position 1541, C replaced by A.
Protein change: p.Thr514Lys; replaces threonine 514 with lysine.
Molecular consequence: missense variant.
Genome position (GRCh38, 1-based): chr10:30,313,817, G>T on the plus strand (C>A on the coding strand, the complement: MTPAP is on the minus strand). VCF-style: chr10-30313817-G-T. GRCh37 (hg19) VCF-style: chr10-30602746-G-T.
Other names: short protein forms T514K.
Identifiers: ClinVar variation 1976593 (VCV001976593.5), dbSNP rs1272787689, ClinGen allele CA376434530.